The following is an entry in ClinVar:

NM_005529.7(HSPG2):c.5454C>T (p.Ala1818=)

Gene: HSPG2 (heparan sulfate proteoglycan 2; minus strand). Cytogenetic location: 1p36.12.
Variant type: single nucleotide variant.
Coding change: c.5454C>T on transcript NM_005529.7 (MANE Select); coding-DNA position 5454, C replaced by T.
Protein change: p.Ala1818=; no amino-acid change (alanine 1818 retained).
Molecular consequence: synonymous variant.
Genome position (GRCh38, 1-based): chr1:21,857,136, G>A on the plus strand (C>T on the coding strand, the complement: HSPG2 is on the minus strand). VCF-style: chr1-21857136-G-A. GRCh37 (hg19) VCF-style: chr1-22183629-G-A.
Other names: c.5457C>T, p.Ala1819= (NM_001291860.2).
Identifiers: ClinVar variation 736739 (VCV000736739.35), dbSNP rs142538286, ClinGen allele CA671921.
Genomic context (GRCh38, chr1:21,857,136, plus strand): 5'-GTAGGTGCCTGCATCACTCAGCTGGACGTTGCGAATGGTCAGGATGCCATTGAAATCCAT[G>A]GCTCGGGTGGGCAGTTTCCCGTTGTGCAGGCGGGTCCACACCAGGGTATAGGCTGGGGAC-3'
Protein context (NP_005520.4, residues 1808-1828): RLHNGKLPTR[Ala1818=]MDFNGILTIR

ClinVar aggregate classification (germline): Benign/Likely benign. Review status: criteria provided, multiple submitters, no conflicts (2 of 4 stars). 4 submissions from 4 submitters: Benign (2); Likely benign (2). Last evaluated 2026-01-13.

Allele frequency attached by ClinVar (database versions not stated): gnomAD exomes 0.00099; ExAC 0.00121; gnomAD 0.00405 and 0.00432; TOPMed 0.00413; ESP Exome Variant Server 0.00423; 1000 Genomes Project 30x 0.00453; 1000 Genomes Project 0.00499.
gnomAD v4.1: 1,232 of 1,614,158 alleles (0.076%); highest among the groups gnomAD compares: African/African-American, 1.5%; 10 homozygotes.

Submissions (4):

Labcorp Genetics (formerly Invitae), Labcorp
Classification: Benign. Last evaluated: 2026-01-13. Review status: criteria provided, single submitter. Criteria: Invitae Variant Classification Sherloc (09022015). Collection method: clinical testing. Allele origin: germline.

CeGaT Center for Human Genetics Tuebingen
Classification: Likely benign. Last evaluated: 2025-08-01. Review status: criteria provided, single submitter. Criteria: CeGaT Center For Human Genetics Tuebingen Variant Classification Criteria Version 2. Collection method: clinical testing. Allele origin: germline. Affected: yes. Observed: 2 variant alleles.
Comment: HSPG2: BP4, BP7, BS1

ARUP Laboratories, Molecular Genetics and Genomics, ARUP Laboratories
Classification: Benign. Last evaluated: 2025-06-20. Review status: criteria provided, single submitter. Criteria: ARUP Molecular Germline Variant Investigation Process 2024. Collection method: clinical testing. Allele origin: germline.

Blueprint Genetics
Classification: Likely benign. Last evaluated: 2024-11-11. Review status: criteria provided, single submitter. Criteria: ACMG Guidelines, 2015. Collection method: clinical testing. Allele origin: germline.